The following is an entry in ClinVar:

ClinVar aggregate classification (germline): Likely benign. Review status: criteria provided, multiple submitters, no conflicts (2 of 4 stars). 4 submissions from 4 submitters: Likely benign (4). Last evaluated 2025-10-12.

Conditions:
Cardiovascular phenotype. Identifiers: MedGen CN230736.

Allele frequency attached by ClinVar (database versions not stated): gnomAD 0.00005; TOPMed 0.00005; gnomAD exomes 0.00013; ExAC 0.00025.
gnomAD v4.1: 112 of 1,548,194 alleles (0.0072%); highest among the groups gnomAD compares: Middle Eastern, 0.033%; no homozygotes.

Submissions (4):

Labcorp Genetics (formerly Invitae), Labcorp
Classification: Likely benign. Last evaluated: 2025-10-12. Review status: criteria provided, single submitter. Criteria: Invitae Variant Classification Sherloc (09022015). Collection method: clinical testing. Allele origin: germline.

Women's Health and Genetics/Laboratory Corporation of America, LabCorp
Classification: Likely benign. Last evaluated: 2025-05-27. Review status: criteria provided, single submitter. Criteria: LabCorp Variant Classification Summary - May 2015. Collection method: clinical testing. Allele origin: germline.

Mayo Clinic Laboratories, Mayo Clinic
Classification: Likely benign. Last evaluated: 2025-05-20. Review status: criteria provided, single submitter. Criteria: ACMG Guidelines, 2015. Collection method: clinical testing. Allele origin: germline. Observed: 1 variant allele.
Comment: BP4, BP7

Ambry Genetics
Classification: Likely benign for Cardiovascular phenotype. Last evaluated: 2020-03-16. Review status: criteria provided, single submitter. Criteria: Ambry Variant Classification Scheme 2023. Collection method: clinical testing. Allele origin: germline.

NM_001367624.2(ZNF469):c.4869G>A (p.Ser1623=)

Gene: ZNF469 (zinc finger protein 469; plus strand). Cytogenetic location: 16q24.2.
Variant type: single nucleotide variant.
Coding change: c.4869G>A on transcript NM_001367624.2 (MANE Select); coding-DNA position 4869, G replaced by A.
Protein change: p.Ser1623=; no amino-acid change (serine 1623 retained).
Molecular consequence: synonymous variant.
Genome position (GRCh38, 1-based): chr16:88,432,339, G>A. VCF-style: chr16-88432339-G-A. GRCh37 (hg19) VCF-style: chr16-88498747-G-A.
Other names: NM_001127464.1:c.4785G>A; p.Ser1623=.
Identifiers: ClinVar variation 1589466 (VCV001589466.12), dbSNP rs768092775, ClinGen allele CA8225017.
Genomic context (GRCh38, chr16:88,432,339, plus strand): 5'-AGAGCCACCCTCCCAACGGCGCACCTGCCAGGCCACCGTGCCCCACGAGGACACGTTCTC[G>A]GCAGCTGACCTCACGCGCGTTGGAGAATCCACTGCACATCGGGAGGGTGCGGAATCGGCT-3'
Protein context (NP_001354553.1, residues 1613-1633): QATVPHEDTF[Ser1623=]AADLTRVGES